The following is an entry in ClinVar:

ClinVar aggregate classification (germline): Pathogenic (1 of 4 stars; one submission).

Conditions:
Alzheimer disease. Also called: Alzheimer's disease; Presenile and senile dementia. Identifiers: Orphanet 1020, MedGen C0002395, MeSH D000544, MONDO:0004975, HP:0002511.

Submission:

Labcorp Genetics (formerly Invitae), Labcorp
Classification: Pathogenic for Alzheimer disease. Last evaluated: 2022-10-07. Review status: criteria provided, single submitter. Criteria: Invitae Variant Classification Sherloc (09022015). Collection method: clinical testing. Allele origin: germline.
Comment: A copy number gain of the genomic region encompassing the full coding sequence of the APP gene has been identified. The boundaries of this event are unknown as they extend beyond the assayed region for this gene and therefore may encompass additional genes. As the precise location of this event is unknown, it may be in tandem or it may be located elsewhere in the genome. A similar copy number variant has been observed in individuals with APP-related conditions (PMID: 16921174, 22491860). It has also been observed to segregate with disease in related individuals. For these reasons, this variant has been classified as Pathogenic.

Literature cited by the submitters: PubMed 16921174; PubMed 22491860.

NC_000021.8:g.(?_27113910)_(27542938_?)dup

Genes: APP (amyloid beta precursor protein; minus strand), GABPA (GA binding protein transcription factor subunit alpha; plus strand). Cytogenetic location: 21q21.3.
Variant type: Duplication.
Identifiers: ClinVar variation 2423147 (VCV002423147.5).